The following is an entry in ClinVar:

NM_000548.5(TSC2):c.60A>C (p.Gly20=)

Gene: TSC2 (TSC complex subunit 2; plus strand). Cytogenetic location: 16p13.3.
Variant type: single nucleotide variant.
Coding change: c.60A>C on transcript NM_000548.5 (MANE Select); coding-DNA position 60, A replaced by C.
Protein change: p.Gly20=; no amino-acid change (glycine 20 retained).
Molecular consequence: synonymous variant. On other transcripts: 5 prime UTR variant (1), intron variant (1).
Genome position (GRCh38, 1-based): chr16:2,048,675, A>C. VCF-style: chr16-2048675-A-C. GRCh37 (hg19) VCF-style: chr16-2098676-A-C.
Other names: c.60A>C, p.Gly20= (NM_001077183.3, NM_001114382.3, NM_001318827.2 and 4 more transcripts); c.-167A>C (NM_001318831.2); c.93A>C, p.Gly31= (NM_001318832.2); c.-10+610A>C (NM_001318829.2).
Identifiers: ClinVar variation 718709 (VCV000718709.14), dbSNP rs1060504108, ClinGen allele CA492954297.
Genomic context (GRCh38, chr16:2,048,675, plus strand): 5'-CATGGCCAAACCAACAAGCAAAGATTCAGGCTTGAAGGAGAAGTTTAAGATTCTGTTGGG[A>C]CTGGGAACACCGAGGCCAAATCCCAGGTCTGCAGAGGGTAAACAGACGGAGTTTATCATC-3'
Protein context (NP_000539.2, residues 10-30): GLKEKFKILL[Gly20=]LGTPRPNPRS

ClinVar aggregate classification (germline): Benign/Likely benign. Review status: criteria provided, multiple submitters, no conflicts (2 of 4 stars). 3 submissions from 3 submitters: Benign (1); Likely benign (2). Last evaluated 2025-12-10.

Conditions:
Hereditary cancer-predisposing syndrome. Also called: Hereditary neoplastic syndrome; Neoplastic Syndromes, Hereditary; Tumor predisposition; Hereditary Cancer Syndrome. Identifiers: Orphanet 140162, MedGen C0027672, MeSH D009386, MONDO:0015356.
Tuberous sclerosis 2 (TSC2). Identifiers: Orphanet 805, MedGen C1860707, MONDO:0013199, OMIM 613254.

Allele frequency attached by ClinVar (database versions not stated): gnomAD exomes below 0.00001 and 0.00001.
gnomAD v4.1: 4 of 1,613,996 alleles (0.00025%); highest among the groups gnomAD compares: Non-Finnish European, 0.00034%; no homozygotes.

Submissions (3):

Labcorp Genetics (formerly Invitae), Labcorp
Classification: Likely benign for Tuberous sclerosis 2. Last evaluated: 2025-12-10. Review status: criteria provided, single submitter. Criteria: Invitae Variant Classification Sherloc (09022015). Collection method: clinical testing. Allele origin: germline.

Myriad Genetics, Inc.
Classification: Benign for Tuberous sclerosis 2. Last evaluated: 2025-04-30. Review status: criteria provided, single submitter. Criteria: Myriad Autosomal Dominant, Autosomal Recessive and X-Linked Classification Criteria (2023). Collection method: clinical testing. Allele origin: unknown.
Comment: This variant is considered benign. This variant is a silent/synonymous amino acid change and it is not expected to impact splicing.

Ambry Genetics
Classification: Likely benign for Hereditary cancer-predisposing syndrome. Last evaluated: 2020-10-23. Review status: criteria provided, single submitter. Criteria: Ambry Variant Classification Scheme 2023. Collection method: clinical testing. Allele origin: germline.